The following is an entry in ClinVar:

ClinVar aggregate classification (germline): Uncertain significance (1 of 4 stars; one submission).

Conditions:
RERE-related disorder. Also called: RERE-related condition; RERE-Related Disorders. Identifiers: MedGen CN381537.

gnomAD v4.1: 2 of 1,614,016 alleles (0.00012%); highest among the groups gnomAD compares: Admixed American, 0.0017%; no homozygotes.

Submission:

PreventionGenetics, part of Exact Sciences
Classification: Uncertain significance for RERE-related condition. Last evaluated: 2025-09-25. Review status: criteria provided, single submitter. Criteria: ACMG Guidelines, 2015. Collection method: clinical testing. Allele origin: germline.
Comment: The RERE c.1046C>T variant is predicted to result in the amino acid substitution p.Thr349Ile. To our knowledge, this variant has not been reported in the literature. This variant is reported in 0.0029% of alleles in individuals of Latino descent in gnomAD. At this time, the clinical significance of this variant is uncertain due to the absence of conclusive functional and genetic evidence.

NM_001042681.2(RERE):c.1046C>T (p.Thr349Ile)

Gene: RERE (arginine-glutamic acid dipeptide repeats; minus strand). Cytogenetic location: 1p36.23.
Variant type: single nucleotide variant.
Coding change: c.1046C>T on transcript NM_001042681.2 (MANE Select); coding-DNA position 1046, C replaced by T.
Protein change: p.Thr349Ile; replaces threonine 349 with isoleucine.
Molecular consequence: missense variant.
Genome position (GRCh38, 1-based): chr1:8,495,121, G>A on the plus strand (C>T on the coding strand, the complement: RERE is on the minus strand). VCF-style: chr1-8495121-G-A. GRCh37 (hg19) VCF-style: chr1-8555181-G-A.
Other names: c.1046C>T, p.Thr349Ile (NM_012102.4); short protein forms T349I.
Identifiers: ClinVar variation 4990913 (VCV004990913.1).